The following is an entry in ClinVar:

NM_001035.3(RYR2):c.14220C>T (p.Ala4740=)

Gene: RYR2 (ryanodine receptor 2; plus strand). Cytogenetic location: 1q43.
Variant type: single nucleotide variant.
Coding change: c.14220C>T on transcript NM_001035.3 (MANE Select); coding-DNA position 14220, C replaced by T.
Protein change: p.Ala4740=; no amino-acid change (alanine 4740 retained).
Molecular consequence: synonymous variant.
Genome position (GRCh38, 1-based): chr1:237,806,205, C>T. VCF-style: chr1-237806205-C-T. GRCh37 (hg19) VCF-style: chr1-237969505-C-T.
Other names: p.Ala4740=; c.14220C>T, p.Ala4740= (LRG_402t1).
Identifiers: ClinVar variation 264585 (VCV000264585.27), dbSNP rs368971586, ClinGen allele CA085611.
Genomic context (GRCh38, chr1:237,806,205, plus strand): 5'-CTACCTAGCCTGGTATATGACTATGTCTGTTCTTGGACACTATAACAACTTTTTTTTTGC[C>T]GCTCACCTTCTCGACATTGCTATGGGATTCAAGACATTAAGAACCATCTTGTCCTCAGTA-3'
Protein context (NP_001026.2, residues 4730-4750): VLGHYNNFFF[Ala4740=]AHLLDIAMGF

ClinVar aggregate classification (germline): Conflicting classifications of pathogenicity. Review status: criteria provided, conflicting classifications (1 of 4 stars). 9 submissions from 8 submitters: Uncertain significance (1); Likely benign (8). Last evaluated 2025-12-29.

Conditions:
Cardiovascular phenotype. Identifiers: MedGen CN230736.
Catecholaminergic polymorphic ventricular tachycardia (CVPT). Also called: Catecholamine-induced polymorphic ventricular tachycardia. Identifiers: Orphanet 3286, MedGen C5574922, MONDO:0017990.
Cardiomyopathy (CMYO). Also called: Cardiomyopathies. Identifiers: Orphanet 167848, MedGen C0878544, MONDO:0004994, HP:0001638. Inheritance: Various modes of inheritance.
Catecholaminergic polymorphic ventricular tachycardia 1. Also called: RYR2-Related Catecholaminergic Polymorphic Ventricular Tachycardia; VENTRICULAR TACHYCARDIA, CATECHOLAMINERGIC POLYMORPHIC, 1, WITH OR WITHOUT ATRIAL DYSFUNCTION AND/OR DILATED CARDIOMYOPATHY; VENTRICULAR TACHYCARDIA, STRESS-INDUCED POLYMORPHIC 1. Identifiers: Orphanet 3286, MedGen C1631597, MONDO:0011484, OMIM 604772.
Arrhythmogenic right ventricular dysplasia 2. Identifiers: MedGen C1832931.

Allele frequency attached by ClinVar (database versions not stated): gnomAD exomes 0.00003 and 0.00006; 1000 Genomes Project 0.00020; gnomAD 0.00020 and 0.00018; ExAC 0.00009; 1000 Genomes Project 30x 0.00016; TOPMed 0.00024; ESP Exome Variant Server 0.00033.
gnomAD v4.1: 65 of 1,612,444 alleles (0.004%); highest among the groups gnomAD compares: African/African-American, 0.063%; no homozygotes.

Submissions (9):

Labcorp Genetics (formerly Invitae), Labcorp
Classification: Likely benign for Catecholaminergic polymorphic ventricular tachycardia 1. Last evaluated: 2025-12-29. Review status: criteria provided, single submitter. Criteria: Invitae Variant Classification Sherloc (09022015). Collection method: clinical testing. Allele origin: germline.

Mayo Clinic Laboratories, Mayo Clinic
Classification: Likely benign. Last evaluated: 2025-10-17. Review status: criteria provided, single submitter. Criteria: ACMG Guidelines, 2015. Collection method: clinical testing. Allele origin: germline. Observed: 1 variant allele.
Comment: BP4, BP7

All of Us Research Program, National Institutes of Health
Classification: Likely benign for Catecholaminergic polymorphic ventricular tachycardia. Last evaluated: 2023-12-18. Review status: criteria provided, single submitter. Criteria: ACMG Guidelines, 2015. Collection method: clinical testing. Allele origin: germline. Inheritance: Autosomal dominant inheritance. Observed: 14 variant alleles, 14 heterozygotes.
Comment: This study involves interpretation of variants in research participants for the purpose of population health screening. Participant phenotype was not available at the time of variant classification. Additional details can be found in publication PMID: 35346344, PMCID: PMC8962531

Blueprint Genetics
Classification: Likely benign. Last evaluated: 2023-10-31. Review status: criteria provided, single submitter. Criteria: ACMG Guidelines, 2015. Collection method: clinical testing. Allele origin: germline.

GeneDx
Classification: Likely benign. Last evaluated: 2021-04-23. Review status: criteria provided, single submitter. Criteria: GeneDx Variant Classification Process June 2021. Collection method: clinical testing. Allele origin: germline. Affected: yes.

Color Diagnostics, LLC DBA Color Health
Classification: Likely benign for Cardiomyopathy. Last evaluated: 2020-07-13. Review status: criteria provided, single submitter. Criteria: ACMG Guidelines, 2015. Collection method: clinical testing. Allele origin: germline.

Illumina Laboratory Services, Illumina
Classification: Likely benign for Catecholaminergic polymorphic ventricular tachycardia 1. Last evaluated: 2018-01-13. Review status: criteria provided, single submitter. Criteria: ICSL Variant Classification Criteria 13 December 2019. Collection method: clinical testing. Allele origin: germline.
Comment: This variant was observed in the ICSL laboratory as part of a predisposition screen in an ostensibly healthy population. It had not been previously curated by ICSL or reported in the Human Gene Mutation Database (HGMD: prior to June 1st, 2018), and was therefore a candidate for classification through an automated scoring system. Utilizing variant allele frequency, disease prevalence and penetrance estimates, and inheritance mode, an automated score was calculated to assess if this variant is too frequent to cause the disease. Based on the score and internal cut-off values, a variant classified as likely benign is not then subjected to further curation. The score for this variant resulted in a classification of likely benign for this disease.

Illumina Laboratory Services, Illumina
Classification: Uncertain significance for Catecholaminergic polymorphic ventricular tachycardia 1. Last evaluated: 2018-01-13. Review status: criteria provided, single submitter. Criteria: ICSL Variant Classification Criteria 13 December 2019. Collection method: clinical testing. Allele origin: germline.

Ambry Genetics
Classification: Likely benign for Cardiovascular phenotype. Last evaluated: 2016-01-11. Review status: criteria provided, single submitter. Criteria: Ambry Variant Classification Scheme 2023. Collection method: clinical testing. Allele origin: germline.